The following is an entry in ClinVar:

ClinVar aggregate classification (germline): Uncertain significance (1 of 4 stars; one submission).

Allele frequency attached by ClinVar (database versions not stated): TOPMed 0.00003; gnomAD exomes 0.00005; gnomAD 0.00006.

Submission:

Labcorp Genetics (formerly Invitae), Labcorp
Classification: Uncertain significance. Last evaluated: 2023-04-09. Review status: criteria provided, single submitter. Criteria: Invitae Variant Classification Sherloc (09022015). Collection method: clinical testing. Allele origin: germline.
Comment: In summary, the available evidence is currently insufficient to determine the role of this variant in disease. Therefore, it has been classified as a Variant of Uncertain Significance. Advanced modeling of protein sequence and biophysical properties (such as structural, functional, and spatial information, amino acid conservation, physicochemical variation, residue mobility, and thermodynamic stability) performed at Invitae indicates that this missense variant is expected to disrupt ECHS1 protein function. This variant has not been reported in the literature in individuals affected with ECHS1-related conditions. This variant is present in population databases (rs750164109, gnomAD 0.004%). This sequence change replaces methionine, which is neutral and non-polar, with isoleucine, which is neutral and non-polar, at codon 189 of the ECHS1 protein (p.Met189Ile).

NM_004092.4(ECHS1):c.567G>A (p.Met189Ile)

Gene: ECHS1 (enoyl-CoA hydratase, short chain 1; minus strand). Cytogenetic location: 10q26.3.
Variant type: single nucleotide variant.
Coding change: c.567G>A on transcript NM_004092.4 (MANE Select); coding-DNA position 567, G replaced by A.
Protein change: p.Met189Ile; replaces methionine 189 with isoleucine.
Molecular consequence: missense variant.
Genome position (GRCh38, 1-based): chr10:133,366,941, C>T on the plus strand (G>A on the coding strand, the complement: ECHS1 is on the minus strand). VCF-style: chr10-133366941-C-T. GRCh37 (hg19) VCF-style: chr10-135180445-C-T.
Other names: short protein forms M189I.
Identifiers: ClinVar variation 2959823 (VCV002959823.1), dbSNP rs750164109, ClinGen allele CA216816313.